The following is an entry in ClinVar:

NM_153240.5(NPHP3):c.2110T>C (p.Cys704Arg)

Genes: NPHP3 (nephrocystin 3; minus strand), NPHP3-ACAD11 (NPHP3-ACAD11 readthrough (NMD candidate); minus strand). Cytogenetic location: 3q22.1.
Variant type: single nucleotide variant.
Coding change: c.2110T>C on transcript NM_153240.5 (MANE Select); coding-DNA position 2110, T replaced by C.
Protein change: p.Cys704Arg; replaces cysteine 704 with arginine.
Molecular consequence: missense variant. On other transcripts: non-coding transcript variant (1).
Genome position (GRCh38, 1-based): chr3:132,696,792, A>G on the plus strand (T>C on the coding strand, the complement: NPHP3 is on the minus strand). VCF-style: chr3-132696792-A-G. GRCh37 (hg19) VCF-style: chr3-132415636-A-G.
Other names: short protein forms C704R.
Identifiers: ClinVar variation 3347067 (VCV003347067.1).

ClinVar aggregate classification (germline): Uncertain significance (0 of 4 stars; one submission).

Conditions:
NPHP3-related disorder. Also called: NPHP3-related disorders; NPHP3-related condition. Identifiers: MedGen CN379163.

gnomAD v4.1: 3 of 1,614,038 alleles (0.00019%); highest among the groups gnomAD compares: Non-Finnish European, 0.00025%; no homozygotes.

Submission:

PreventionGenetics, part of Exact Sciences
Classification: Uncertain significance for NPHP3-related condition. Last evaluated: 2024-06-25. Review status: no assertion criteria provided. Collection method: clinical testing. Allele origin: germline.
Comment: The NPHP3 c.2110T>C variant is predicted to result in the amino acid substitution p.Cys704Arg. This variant has been reported, along with a second NPHP3 likely pathogenic variant, in an individual whose phenotype was not specified (Table S7, Stranneheim et al. 2021. PubMed ID: 33726816). This variant has not been reported in a large population database, indicating this variant is rare. At this time, the clinical significance of this variant is uncertain due to the absence of conclusive functional and genetic evidence.